The following is an entry in ClinVar:

NM_152906.7(TANGO2):c.119G>A (p.Trp40Ter)

Gene: TANGO2 (transport and golgi organization 2 homolog; plus strand). Cytogenetic location: 22q11.21.
Variant type: single nucleotide variant.
Coding change: c.119G>A on transcript NM_152906.7 (MANE Select); coding-DNA position 119, G replaced by A.
Protein change: p.Trp40Ter; replaces tryptophan 40 with a stop codon.
Molecular consequence: nonsense. On other transcripts: 5 prime UTR variant (12), non-coding transcript variant (5).
Genome position (GRCh38, 1-based): chr22:20,043,417, G>A. VCF-style: chr22-20043417-G-A. GRCh37 (hg19) VCF-style: chr22-20030940-G-A.
Other names: c.119G>A, p.Trp40Ter (NM_001283106.3, NM_001283116.3, NM_001283148.3 and 10 more transcripts); c.242G>A, p.Trp81Ter (NM_001283129.3, NM_001283215.3, NM_001322141.2 and 5 more transcripts); c.-61G>A (NM_001283235.3, NM_001322146.2, NM_001322148.2 and 9 more transcripts); short protein forms W81*, W40*.
Identifiers: ClinVar variation 1381938 (VCV001381938.6), dbSNP rs1224979359, ClinGen allele CA410693084.
Genomic context (GRCh38, chr22:20,043,417, plus strand): 5'-TCATCTTGGCAGCCAACAGGGATGAATTCTACAGCCGACCCTCCAAGTTAGCTGACTTCT[G>A]GGGGAACAACAACGAGATCCTCAGTGGTGAGTCTTCCTGCGTGCTCAGCGGTGGCTGCGC-3'

ClinVar aggregate classification (germline): Pathogenic (1 of 4 stars; one submission).

Submission:

Labcorp Genetics (formerly Invitae), Labcorp
Classification: Pathogenic. Last evaluated: 2024-11-05. Review status: criteria provided, single submitter. Criteria: Invitae Variant Classification Sherloc (09022015). Collection method: clinical testing. Allele origin: germline.
Comment: This sequence change creates a premature translational stop signal (p.Trp40*) in the TANGO2 gene. It is expected to result in an absent or disrupted protein product. Loss-of-function variants in TANGO2 are known to be pathogenic (PMID: 26805781, 26805782). This variant is not present in population databases (gnomAD no frequency). This variant has not been reported in the literature in individuals affected with TANGO2-related conditions. ClinVar contains an entry for this variant (Variation ID: 1381938). For these reasons, this variant has been classified as Pathogenic.

Literature cited by the submitters: PubMed 26805781; PubMed 26805782.